The following is an entry in ClinVar:

NM_001942.4(DSG1):c.2041A>G (p.Met681Val)

Genes: DSG1 (desmoglein 1; plus strand), DSG1-AS1 (DSG1 antisense RNA 1; minus strand). Cytogenetic location: 18q12.1.
Variant type: single nucleotide variant.
Coding change: c.2041A>G on transcript NM_001942.4 (MANE Select); coding-DNA position 2041, A replaced by G.
Protein change: p.Met681Val; replaces methionine 681 with valine.
Molecular consequence: missense variant.
Genome position (GRCh38, 1-based): chr18:31,346,139, A>G. VCF-style: chr18-31346139-A-G. GRCh37 (hg19) VCF-style: chr18-28926102-A-G.
Other names: short protein forms M681V.
Identifiers: ClinVar variation 1481210 (VCV001481210.8), dbSNP rs1310285037, ClinGen allele CA402118917.

ClinVar aggregate classification (germline): Uncertain significance (1 of 4 stars; one submission).

Allele frequency attached by ClinVar (database versions not stated): gnomAD exomes below 0.00001 and 0.00001.
gnomAD v4.1: 10 of 1,613,968 alleles (0.00062%); highest among the groups gnomAD compares: South Asian, 0.0066%; no homozygotes.

Submission:

Labcorp Genetics (formerly Invitae), Labcorp
Classification: Uncertain significance. Last evaluated: 2024-10-21. Review status: criteria provided, single submitter. Criteria: Invitae Variant Classification Sherloc (09022015). Collection method: clinical testing. Allele origin: germline.
Comment: This sequence change replaces methionine, which is neutral and non-polar, with valine, which is neutral and non-polar, at codon 681 of the DSG1 protein (p.Met681Val). This variant is present in population databases (no rsID available, gnomAD 0.003%). This variant has not been reported in the literature in individuals affected with DSG1-related conditions. ClinVar contains an entry for this variant (Variation ID: 1481210). Invitae Evidence Modeling of protein sequence and biophysical properties (such as structural, functional, and spatial information, amino acid conservation, physicochemical variation, residue mobility, and thermodynamic stability) indicates that this missense variant is not expected to disrupt DSG1 protein function with a negative predictive value of 80%. In summary, the available evidence is currently insufficient to determine the role of this variant in disease. Therefore, it has been classified as a Variant of Uncertain Significance.